The following is an entry in ClinVar:

ClinVar aggregate classification (germline): Benign (0 of 4 stars; one submission).

Conditions:
KCNJ12-related disorder. Also called: KCNJ12-related condition.

Allele frequency attached by ClinVar (database versions not stated): ExAC 0.46788.

Submission:

PreventionGenetics, part of Exact Sciences
Classification: Benign for KCNJ12-related condition. Last evaluated: 2019-10-17. Review status: no assertion criteria provided. Collection method: clinical testing. Allele origin: germline.
Comment: This variant is classified as benign based on ACMG/AMP sequence variant interpretation guidelines (Richards et al. 2015 PMID: 25741868, with internal and published modifications).

NM_021012.5(KCNJ12):c.327C>T (p.His109=)

Gene: KCNJ12 (potassium inwardly rectifying channel subfamily J member 12; plus strand). Cytogenetic location: 17p11.2.
Variant type: single nucleotide variant.
Coding change: c.327C>T on transcript NM_021012.5 (MANE Select); coding-DNA position 327, C replaced by T.
Protein change: p.His109=; no amino-acid change (histidine 109 retained).
Molecular consequence: synonymous variant.
Genome position (GRCh38, 1-based): chr17:21,415,669, C>T. VCF-style: chr17-21415669-C-T. GRCh37 (hg19) VCF-style: chr17-21318981-C-T.
Identifiers: ClinVar variation 3059994 (VCV003059994.2), dbSNP rs9909970, ClinGen allele CA8451076.